The following is an entry in ClinVar:

NM_000088.4(COL1A1):c.459T>C (p.Pro153=)

Gene: COL1A1 (collagen type I alpha 1 chain; minus strand). Cytogenetic location: 17q21.33.
Variant type: single nucleotide variant.
Coding change: c.459T>C on transcript NM_000088.4 (MANE Select); coding-DNA position 459, T replaced by C.
Protein change: p.Pro153=; no amino-acid change (proline 153 retained).
Molecular consequence: synonymous variant.
Genome position (GRCh38, 1-based): chr17:50,199,238, A>G on the plus strand (T>C on the coding strand, the complement: COL1A1 is on the minus strand). VCF-style: chr17-50199238-A-G. GRCh37 (hg19) VCF-style: chr17-48276599-A-G.
Identifiers: ClinVar variation 515913 (VCV000515913.3), dbSNP rs1555575026, ClinGen allele CA500852141.

ClinVar aggregate classification (germline): Likely benign. Review status: criteria provided, multiple submitters, no conflicts (2 of 4 stars). 3 submissions from 3 submitters: Likely benign (3). Last evaluated 2026-05-14.

Conditions:
Cardiovascular phenotype. Identifiers: MedGen CN230736.
Osteogenesis imperfecta type I (OI1). Also called: OI, TYPE I; OSTEOGENESIS IMPERFECTA TARDA; OSTEOGENESIS IMPERFECTA WITH BLUE SCLERAE; Classic Non-deforming Osteogenesis Imperfecta with Blue Sclerae; Lobstein's Disease; Osteogenesis imperfecta type 1. Identifiers: Orphanet 216796, Orphanet 666, MedGen C0023931, MONDO:0008146, OMIM 166200. Disease mechanism: loss of function.

gnomAD v4.1: 3 of 1,463,748 alleles (0.0002%); highest among the groups gnomAD compares: Non-Finnish European, 0.00027%; no homozygotes.

Submissions (3):

Ambry Genetics
Classification: Likely benign for Cardiovascular phenotype. Last evaluated: 2026-05-14. Review status: criteria provided, single submitter. Criteria: Ambry Variant Classification Scheme 2023. Collection method: clinical testing. Allele origin: germline.

Labcorp Genetics (formerly Invitae), Labcorp
Classification: Likely benign for Osteogenesis imperfecta type I. Last evaluated: 2025-02-10. Review status: criteria provided, single submitter. Criteria: Invitae Variant Classification Sherloc (09022015). Collection method: clinical testing. Allele origin: germline.

GeneDx
Classification: Likely benign. Last evaluated: 2018-03-02. Review status: criteria provided, single submitter. Criteria: GeneDx Variant Classification (06012015). Collection method: clinical testing. Allele origin: germline. Affected: yes.
Comment: This variant is considered likely benign or benign based on one or more of the following criteria: it is a conservative change, it occurs at a poorly conserved position in the protein, it is predicted to be benign by multiple in silico algorithms, and/or has population frequency not consistent with disease.